The following is an entry in ClinVar:

NM_001830.4(CLCN4):c.1576+5G>C

Gene: CLCN4 (Cl-/H+ antiporter 4; plus strand). Cytogenetic location: Xp22.2.
Variant type: single nucleotide variant.
Coding change: c.1576+5G>C on transcript NM_001830.4 (MANE Select); 5 bases into the intron after coding-DNA position 1576, G replaced by C.
Molecular consequence: intron variant.
Genome position (GRCh38, 1-based): chrX:10,212,658, G>C. VCF-style: chrX-10212658-G-C. GRCh37 (hg19) VCF-style: chrX-10180698-G-C.
Other names: c.1294+5G>C (NM_001256944.2).
Identifiers: ClinVar variation 1423361 (VCV001423361.6), dbSNP rs183625504, ClinGen allele CA2573158373.

ClinVar aggregate classification (germline): Uncertain significance (1 of 4 stars; one submission).

gnomAD v4.1: 1 of 1,196,177 alleles (0.000084%); highest among the groups gnomAD compares: Non-Finnish European, 0.00011%; no homozygotes.

Submission:

Labcorp Genetics (formerly Invitae), Labcorp
Classification: Uncertain significance. Last evaluated: 2025-06-04. Review status: criteria provided, single submitter. Criteria: Invitae Variant Classification Sherloc (09022015). Collection method: clinical testing. Allele origin: germline.
Comment: This sequence change falls in intron 10 of the CLCN4 gene. It does not directly change the encoded amino acid sequence of the CLCN4 protein. It affects a nucleotide within the consensus splice site. This variant is not present in population databases (gnomAD no frequency). This variant has not been reported in the literature in individuals affected with CLCN4-related conditions. ClinVar contains an entry for this variant (Variation ID: 1423361). Variants that disrupt the consensus splice site are a relatively common cause of aberrant splicing (PMID: 17576681, 9536098). Algorithms developed to predict the effect of sequence changes on RNA splicing suggest that this variant may disrupt the consensus splice site. In summary, the available evidence is currently insufficient to determine the role of this variant in disease. Therefore, it has been classified as a Variant of Uncertain Significance.

Literature cited by the submitters: PubMed 17576681; PubMed 9536098.